The following is an entry in ClinVar:

ClinVar aggregate classification (germline): Pathogenic (1 of 4 stars; one submission).

Submission:

GeneDx
Classification: Pathogenic. Last evaluated: 2022-07-06. Review status: criteria provided, single submitter. Criteria: GeneDx Variant Classification Process June 2021. Collection method: clinical testing. Allele origin: germline. Affected: yes.
Comment: Nonsense variant predicted to result in protein truncation or nonsense mediated decay in a gene for which loss-of-function is a known mechanism of disease; Not observed at significant frequency in large population cohorts (gnomAD); Has not been previously published as pathogenic or benign to our knowledge; This variant is associated with the following publications: (PMID: 18788075)

NM_014795.4(ZEB2):c.1792C>T (p.Gln598Ter)

Gene: ZEB2 (zinc finger E-box binding homeobox 2; minus strand). Cytogenetic location: 2q22.3.
Variant type: single nucleotide variant.
Coding change: c.1792C>T on transcript NM_014795.4 (MANE Select); coding-DNA position 1792, C replaced by T.
Protein change: p.Gln598Ter; replaces glutamine 598 with a stop codon.
Molecular consequence: nonsense.
Genome position (GRCh38, 1-based): chr2:144,399,395, G>A on the plus strand (C>T on the coding strand, the complement: ZEB2 is on the minus strand). VCF-style: chr2-144399395-G-A. GRCh37 (hg19) VCF-style: chr2-145156962-G-A.
Other names: c.1720C>T, p.Gln574Ter (NM_001171653.2); short protein forms Q574*, Q598*.
Identifiers: ClinVar variation 1695530 (VCV001695530.2), dbSNP rs2149877058, ClinGen allele CA348710173.
Genomic context (GRCh38, chr2:144,399,395, plus strand): 5'-CATGAGGCTGCAGGACCGCCTTGATCTCTTCATTCATCTTACAAAGGTAACGTTCATGCT[G>A]ATGCAAAGGGATGGGGCCAGGAAAACTTTCTTTACAGAACTGGCATGAAAATGGAGTGGA-3'